The following is an entry in ClinVar:

ClinVar aggregate classification (germline): Uncertain significance (1 of 4 stars; one submission).

Conditions:
Frontotemporal dementia and/or amyotrophic lateral sclerosis 1 (FTDALS1). Also called: Frontotemporal dementia with motor neuron disease 1; C9orf72 Frontotemporal Dementia and/or Amyotrophic Lateral Sclerosis. Identifiers: Orphanet 275872, MedGen C5779877, MONDO:0007105, OMIM 105550.
Paget disease of bone 2, early-onset (PDB2). Also called: Paget disease of bone 2. Identifiers: MedGen C4085251, MONDO:0011183, OMIM 602080.

Allele frequency attached by ClinVar (database versions not stated): gnomAD exomes below 0.00001.
gnomAD v4.1: 1 of 1,508,102 alleles (0.000066%); highest among the groups gnomAD compares: Non-Finnish European, 0.000088%; no homozygotes.

Submission:

Labcorp Genetics (formerly Invitae), Labcorp
Classification: Uncertain significance for Paget disease of bone 2, early-onset; Frontotemporal dementia and/or amyotrophic lateral sclerosis 1. Last evaluated: 2025-03-30. Review status: criteria provided, single submitter. Criteria: Invitae Variant Classification Sherloc (09022015). Collection method: clinical testing. Allele origin: germline.
Comment: This sequence change replaces proline, which is neutral and non-polar, with serine, which is neutral and polar, at codon 41 of the SQSTM1 protein (p.Pro41Ser). This variant is not present in population databases (gnomAD no frequency). This variant has not been reported in the literature in individuals affected with SQSTM1-related conditions. ClinVar contains an entry for this variant (Variation ID: 959506). Invitae Evidence Modeling of protein sequence and biophysical properties (such as structural, functional, and spatial information, amino acid conservation, physicochemical variation, residue mobility, and thermodynamic stability) indicates that this missense variant is not expected to disrupt SQSTM1 protein function with a negative predictive value of 80%. In summary, the available evidence is currently insufficient to determine the role of this variant in disease. Therefore, it has been classified as a Variant of Uncertain Significance.

NM_003900.5(SQSTM1):c.121C>T (p.Pro41Ser)

Gene: SQSTM1 (sequestosome 1; plus strand). Cytogenetic location: 5q35.3.
Variant type: single nucleotide variant.
Coding change: c.121C>T on transcript NM_003900.5 (MANE Select); coding-DNA position 121, C replaced by T.
Protein change: p.Pro41Ser; replaces proline 41 with serine.
Molecular consequence: missense variant. On other transcripts: intron variant (2).
Genome position (GRCh38, 1-based): chr5:179,821,057, C>T. VCF-style: chr5-179821057-C-T. GRCh37 (hg19) VCF-style: chr5-179248057-C-T.
Other names: c.-47-1901C>T (NM_001142298.2, NM_001142299.2); short protein forms P41S.
Identifiers: ClinVar variation 959506 (VCV000959506.9), dbSNP rs1377640860, ClinGen allele CA362442404.
Genomic context (GRCh38, chr5:179,821,057, plus strand): 5'-CGCCGCTTCAGCTTCTGCTGCAGCCCCGAGCCTGAGGCGGAAGCCGAGGCTGCGGCGGGT[C>T]CGGGACCCTGCGAGCGGCTGCTGAGCCGGGTGGCCGCCCTGTTCCCCGCGCTGCGGCCTG-3'
Protein context (NP_003891.1, residues 31-51): PEAEAEAAAG[Pro41Ser]GPCERLLSRV